The following is an entry in ClinVar:

NM_000245.4(MET):c.36C>T (p.Leu12=)

Gene: MET (MET proto-oncogene, receptor tyrosine kinase; plus strand). Cytogenetic location: 7q31.2.
Variant type: single nucleotide variant.
Coding change: c.36C>T on transcript NM_000245.4 (MANE Select); coding-DNA position 36, C replaced by T.
Protein change: p.Leu12=; no amino-acid change (leucine 12 retained).
Molecular consequence: synonymous variant. On other transcripts: intron variant (1).
Genome position (GRCh38, 1-based): chr7:116,699,120, C>T. VCF-style: chr7-116699120-C-T. GRCh37 (hg19) VCF-style: chr7-116339174-C-T.
Other names: c.36C>T, p.Leu12= (NM_001127500.3, NM_001324401.3); c.-91+26543C>T (NM_001324402.2); c.36C>T (NM_001127500.2).
Identifiers: ClinVar variation 219710 (VCV000219710.21), dbSNP rs188625702, ClinGen allele CA350082.

ClinVar aggregate classification (germline): Benign/Likely benign. Review status: criteria provided, multiple submitters, no conflicts (2 of 4 stars). 6 submissions from 6 submitters: Benign (2); Likely benign (4). Last evaluated 2026-06-29.

Conditions:
Renal cell carcinoma. Identifiers: Orphanet 217071, MedGen C0007134, MeSH D002292, MONDO:0005086, HP:0005584.
MET-related disorder. Also called: MET-related condition.
Hereditary cancer-predisposing syndrome. Also called: Neoplastic Syndromes, Hereditary; Tumor predisposition; Hereditary Cancer Syndrome; Hereditary neoplastic syndrome. Identifiers: Orphanet 140162, MedGen C0027672, MeSH D009386, MONDO:0015356.
Papillary renal cell carcinoma type 1 (RCCP1). Also called: Renal adenocarcinoma; Renal cell carcinoma 1; Renal cell carcinoma, somatic; RENAL CELL CARCINOMA, PAPILLARY, 1, SOMATIC. Identifiers: Orphanet 47044, MedGen C1336839, OMIM 605074, HP:0011797.

Allele frequency attached by ClinVar (database versions not stated): TOPMed 0.00005; gnomAD 0.00006 and 0.00011; 1000 Genomes Project 30x 0.00047; 1000 Genomes Project 0.00060.

Submissions (6):

PreventionGenetics, part of Exact Sciences
Classification: Likely benign for MET-related condition. Last evaluated: 2026-06-29. Review status: criteria provided, single submitter. Criteria: ACMG Guidelines, 2015. Collection method: clinical testing. Allele origin: germline.
Comment: This variant is classified as likely benign based on ACMG/AMP sequence variant interpretation guidelines (Richards et al. 2015 PMID: 25741868, with internal and published modifications).

Labcorp Genetics (formerly Invitae), Labcorp
Classification: Likely benign for Renal cell carcinoma. Last evaluated: 2026-01-28. Review status: criteria provided, single submitter. Criteria: Invitae Variant Classification Sherloc (09022015). Collection method: clinical testing. Allele origin: germline.

Myriad Genetics, Inc.
Classification: Benign for Papillary renal cell carcinoma type 1. Last evaluated: 2024-11-05. Review status: criteria provided, single submitter. Criteria: Myriad Autosomal Dominant, Autosomal Recessive and X-Linked Classification Criteria (2023). Collection method: clinical testing. Allele origin: unknown.
Comment: This variant is considered benign. This variant is a silent/synonymous amino acid change and it is not expected to impact splicing.

Blueprint Genetics
Classification: Likely benign. Last evaluated: 2024-08-19. Review status: criteria provided, single submitter. Criteria: ACMG Guidelines, 2015. Collection method: clinical testing. Allele origin: germline.

Illumina Laboratory Services, Illumina
Classification: Benign for Papillary renal cell carcinoma type 1. Last evaluated: 2018-01-13. Review status: criteria provided, single submitter. Criteria: ICSL Variant Classification Criteria 13 December 2019. Collection method: clinical testing. Allele origin: germline.
Comment: This variant was observed in the ICSL laboratory as part of a predisposition screen in an ostensibly healthy population. It had not been previously curated by ICSL or reported in the Human Gene Mutation Database (HGMD: prior to June 1st, 2018), and was therefore a candidate for classification through an automated scoring system. Utilizing variant allele frequency, disease prevalence and penetrance estimates, and inheritance mode, an automated score was calculated to assess if this variant is too frequent to cause the disease. Based on the score and internal cut-off values, a variant classified as benign is not then subjected to further curation. The score for this variant resulted in a classification of benign for this disease.

Ambry Genetics
Classification: Likely benign for Hereditary cancer-predisposing syndrome. Last evaluated: 2015-03-27. Review status: criteria provided, single submitter. Criteria: Ambry Variant Classification Scheme 2023. Collection method: clinical testing. Allele origin: germline.